The following is an entry in ClinVar:

ClinVar aggregate classification (germline): Uncertain significance. Review status: criteria provided, multiple submitters, no conflicts (2 of 4 stars). 2 submissions from 2 submitters: Uncertain significance (2). Last evaluated 2023-01-18.

Allele frequency attached by ClinVar (database versions not stated): ESP Exome Variant Server 0.00008.
gnomAD v4.1: 9 of 1,612,924 alleles (0.00056%); highest among the groups gnomAD compares: Non-Finnish European, 0.00076%; no homozygotes.

Submissions (2):

Blueprint Genetics
Classification: Uncertain significance. Last evaluated: 2023-01-18. Review status: criteria provided, single submitter. Criteria: ACMG Guidelines, 2015. Collection method: clinical testing. Allele origin: germline.

Labcorp Genetics (formerly Invitae), Labcorp
Classification: Uncertain significance. Last evaluated: 2022-09-18. Review status: criteria provided, single submitter. Criteria: Invitae Variant Classification Sherloc (09022015). Collection method: clinical testing. Allele origin: germline.
Comment: ClinVar contains an entry for this variant (Variation ID: 1495568). This missense change has been observed in individual(s) with clinical features of autosomal dominant retinitis pigmentosa (Invitae). This variant is present in population databases (rs371118175, gnomAD 0.002%). This sequence change replaces arginine, which is basic and polar, with proline, which is neutral and non-polar, at codon 614 of the IMPG1 protein (p.Arg614Pro). In summary, the available evidence is currently insufficient to determine the role of this variant in disease. Therefore, it has been classified as a Variant of Uncertain Significance. Algorithms developed to predict the effect of missense changes on protein structure and function are either unavailable or do not agree on the potential impact of this missense change (SIFT: "Deleterious"; PolyPhen-2: "Probably Damaging"; Align-GVGD: "Class C15").

NM_001563.4(IMPG1):c.1841G>C (p.Arg614Pro)

Gene: IMPG1 (interphotoreceptor matrix proteoglycan 1; minus strand). Cytogenetic location: 6q14.1.
Variant type: single nucleotide variant.
Coding change: c.1841G>C on transcript NM_001563.4 (MANE Select); coding-DNA position 1841, G replaced by C.
Protein change: p.Arg614Pro; replaces arginine 614 with proline.
Molecular consequence: missense variant.
Genome position (GRCh38, 1-based): chr6:75,947,517, C>G on the plus strand (G>C on the coding strand, the complement: IMPG1 is on the minus strand). VCF-style: chr6-75947517-C-G. GRCh37 (hg19) VCF-style: chr6-76657234-C-G.
Other names: c.1607G>C, p.Arg536Pro (NM_001282368.2); short protein forms R614P, R536P.
Identifiers: ClinVar variation 1495568 (VCV001495568.9), dbSNP rs371118175, ClinGen allele CA3898024.
Genomic context (GRCh38, chr6:75,947,517, plus strand): 5'-ATCACACTCCCGTTTCTGAAGTTAAGTATTTCAAGTTGCTTAAATCCTGTAAGATTGGAT[C>G]GTAGATATGGAACCAGCTGCAAAATAAAAGATGGTTTCCTCTTAACTGTGTTCTAAGTGC-3'
Protein context (NP_001554.2, residues 604-624): QFTQLLVPYL[Arg614Pro]SNLTGFKQLE